The following is an entry in ClinVar:

NM_020163.3(SEMA3G):c.1585T>C (p.Cys529Arg)

Gene: SEMA3G (semaphorin 3G; minus strand). Cytogenetic location: 3p21.1.
Variant type: single nucleotide variant.
Coding change: c.1585T>C on transcript NM_020163.3 (MANE Select); coding-DNA position 1585, T replaced by C.
Protein change: p.Cys529Arg; replaces cysteine 529 with arginine.
Molecular consequence: missense variant.
Genome position (GRCh38, 1-based): chr3:52,438,124, A>G on the plus strand (T>C on the coding strand, the complement: SEMA3G is on the minus strand). VCF-style: chr3-52438124-A-G. GRCh37 (hg19) VCF-style: chr3-52472140-A-G.
Other names: short protein forms C529R.
Identifiers: ClinVar variation 2631868 (VCV002631868.3), dbSNP rs747732040, ClinGen allele CA2437869.

ClinVar aggregate classification (germline): Uncertain significance (0 of 4 stars; one submission).

Conditions:
SEMA3G-related disorder. Also called: SEMA3G-related condition.

Allele frequency attached by ClinVar (database versions not stated): ExAC 0.00005; gnomAD exomes 0.00006; gnomAD 0.00007; TOPMed 0.00012.

Submission:

PreventionGenetics, part of Exact Sciences
Classification: Uncertain significance for SEMA3G-related condition. Last evaluated: 2024-08-06. Review status: no assertion criteria provided. Collection method: clinical testing. Allele origin: germline.
Comment: The SEMA3G c.1585T>C variant is predicted to result in the amino acid substitution p.Cys529Arg. To our knowledge, this variant has not been reported in the literature. This variant is reported in 0.0085% of alleles in individuals of Latino descent in gnomAD. At this time, the clinical significance of this variant is uncertain due to the absence of conclusive functional and genetic evidence.